The following is an entry in ClinVar:

ClinVar aggregate classification (germline): Uncertain significance. Review status: criteria provided, multiple submitters, no conflicts (2 of 4 stars). 6 submissions from 6 submitters: Uncertain significance (6). Last evaluated 2025-10-06.

Conditions:
HSPG2-related disorder. Also called: HSPG2-related condition; HSPG2-related disorders.
Inborn genetic diseases. Identifiers: MedGen C0950123, MeSH D030342.

Allele frequency attached by ClinVar (database versions not stated): gnomAD exomes 0.00008 and 0.00012; ExAC 0.00010; gnomAD 0.00029 and 0.00031; 1000 Genomes Project 30x 0.00031; ESP Exome Variant Server 0.00031; TOPMed 0.00032; 1000 Genomes Project 0.00040.
gnomAD v4.1: 163 of 1,613,710 alleles (0.01%); highest among the groups gnomAD compares: African/African-American, 0.1%; no homozygotes.

Submissions (6):

GeneDx
Classification: Uncertain significance. Last evaluated: 2025-10-06. Review status: criteria provided, single submitter. Criteria: GeneDx Variant Classification Process June 2021. Collection method: clinical testing. Allele origin: germline.
Comment: In silico analysis supports that this missense variant has a deleterious effect on protein structure/function; Has not been previously published as pathogenic or benign to our knowledge

PreventionGenetics, part of Exact Sciences
Classification: Uncertain significance for HSPG2-related condition. Last evaluated: 2023-04-26. Review status: criteria provided, single submitter. Criteria: ACMG Guidelines, 2015. Collection method: clinical testing. Allele origin: germline.
Comment: The HSPG2 c.8254G>A variant is predicted to result in the amino acid substitution p.Gly2752Arg. To our knowledge, this variant has not been reported in the literature. This variant is reported in 0.12% of alleles in individuals of African descent in gnomAD. Although we suspect that this variant may be benign, at this time, the clinical significance of this variant is uncertain due to the absence of conclusive functional and genetic evidence.

Labcorp Genetics (formerly Invitae), Labcorp
Classification: Uncertain significance. Last evaluated: 2022-10-30. Review status: criteria provided, single submitter. Criteria: Invitae Variant Classification Sherloc (09022015). Collection method: clinical testing. Allele origin: germline.
Comment: This sequence change replaces glycine, which is neutral and non-polar, with arginine, which is basic and polar, at codon 2752 of the HSPG2 protein (p.Gly2752Arg). This variant is present in population databases (rs143734280, gnomAD 0.1%). This variant has not been reported in the literature in individuals affected with HSPG2-related conditions. ClinVar contains an entry for this variant (Variation ID: 447563). Algorithms developed to predict the effect of missense changes on protein structure and function are either unavailable or do not agree on the potential impact of this missense change (SIFT: "Deleterious"; PolyPhen-2: "Probably Damaging"; Align-GVGD: "Class C0"). In summary, the available evidence is currently insufficient to determine the role of this variant in disease. Therefore, it has been classified as a Variant of Uncertain Significance.

Ambry Genetics
Classification: Uncertain significance for Inborn genetic diseases. Last evaluated: 2021-03-30. Review status: criteria provided, single submitter. Criteria: Ambry Variant Classification Scheme 2023. Collection method: clinical testing. Allele origin: germline.
Comment: The c.8254G>A (p.G2752R) alteration is located in exon 62 (coding exon 62) of the HSPG2 gene. This alteration results from a G to A substitution at nucleotide position 8254, causing the glycine (G) at amino acid position 2752 to be replaced by an arginine (R). The in silico prediction for the p.G2752R alteration is inconclusive. Based on insufficient or conflicting evidence, the clinical significance of this alteration remains unclear.

Athena Diagnostics
Classification: Uncertain significance. Last evaluated: 2020-10-14. Review status: criteria provided, single submitter. Criteria: Athena Diagnostics criteria. Collection method: clinical testing. Allele origin: unknown.

Revvity Omics, Revvity
Classification: Uncertain significance. Last evaluated: 2019-11-18. Review status: criteria provided, single submitter. Criteria: ACMG Guidelines, 2015. Collection method: clinical testing. Allele origin: germline.

NM_005529.7(HSPG2):c.8254G>A (p.Gly2752Arg)

Gene: HSPG2 (heparan sulfate proteoglycan 2; minus strand). Cytogenetic location: 1p36.12.
Variant type: single nucleotide variant.
Coding change: c.8254G>A on transcript NM_005529.7 (MANE Select); coding-DNA position 8254, G replaced by A.
Protein change: p.Gly2752Arg; replaces glycine 2752 with arginine.
Molecular consequence: missense variant.
Genome position (GRCh38, 1-based): chr1:21,846,510, C>T on the plus strand (G>A on the coding strand, the complement: HSPG2 is on the minus strand). VCF-style: chr1-21846510-C-T. GRCh37 (hg19) VCF-style: chr1-22173003-C-T.
Other names: c.8257G>A, p.Gly2753Arg (NM_001291860.2); c.8254G>A (NM_005529.5); short protein forms G2752R, G2753R.
Identifiers: ClinVar variation 447563 (VCV000447563.13), dbSNP rs143734280, ClinGen allele CA670856.
Genomic context (GRCh38, chr1:21,846,510, plus strand): 5'-GATGGTGACTGGGGAGGCTGCCCCCACGCTTGTGCCAAGTGACCTGGGCATGGGCCTGCC[C>T]GGGGACCACGCAGTTCAGATCCAGGGTCTCCCCTTCGGCCACGTGTGAGGAGGATGACTC-3'
Protein context (NP_005520.4, residues 2742-2762): ETLDLNCVVP[Gly2752Arg]QAHAQVTWHK